The following is an entry in ClinVar:

NM_004360.5(CDH1):c.*54C>T

Gene: CDH1 (cadherin 1; plus strand). Cytogenetic location: 16q22.1.
Variant type: single nucleotide variant.
Coding change: c.*54C>T on transcript NM_004360.5 (MANE Select); 54 bases downstream of the stop codon, C replaced by T.
Molecular consequence: 3 prime UTR variant.
Genome position (GRCh38, 1-based): chr16:68,833,553, C>T. VCF-style: chr16-68833553-C-T. GRCh37 (hg19) VCF-style: chr16-68867456-C-T.
Other names: c.*54C>T (LRG_301t1, NM_001317184.2, NM_001317185.2 and 1 more transcripts).
Identifiers: ClinVar variation 320267 (VCV000320267.33), dbSNP rs1801026, ClinGen allele CA10647973.

ClinVar aggregate classification (germline): Benign. Review status: reviewed by expert panel (3 of 4 stars). 10 submissions from 10 submitters: Benign (1). 9 of the submissions do not count toward it. Last evaluated 2023-08-10.

Conditions:
CDH1-related diffuse gastric and lobular breast cancer syndrome. Also called: CDH1-related diffuse gastric and lobular breast cancer. Identifiers: MedGen CN311521, MONDO:0100488.
Hereditary cancer-predisposing syndrome. Also called: Neoplastic Syndromes, Hereditary; Hereditary neoplastic syndrome; Tumor predisposition; Hereditary Cancer Syndrome. Identifiers: Orphanet 140162, MedGen C0027672, MeSH D009386, MONDO:0015356.
Hereditary diffuse gastric adenocarcinoma (HDGC). Also called: DIFFUSE GASTRIC AND LOBULAR BREAST CANCER SYNDROME. Identifiers: Orphanet 26106, MedGen C1708349, MONDO:0007648, OMIM 137215.

Allele frequency attached by ClinVar (database versions not stated): 1000 Genomes Project 0.15455; 1000 Genomes Project 30x 0.15771; gnomAD 0.16762 and 0.17023; TOPMed 0.17304.
gnomAD v4.1: 221,807 of 1,447,396 alleles (15%); highest among the groups gnomAD compares: African/African-American, 20%; 17,670 homozygotes.

Submissions (10):

Clingen Gastric Cancer Variant Curation Expert Panel
Classification: Benign for CDH1-related diffuse gastric and lobular breast cancer syndrome. Last evaluated: 2023-08-10. Review status: reviewed by expert panel. Criteria: ClinGen CDH1 ACMG Specifications V3.1. Collection method: curation. Allele origin: germline. Inheritance: Autosomal dominant inheritance.
Comment: The NM_004360.5(CDH1):c.*54C>T variant has an allele frequency of 0.18763 (18.76%, 1629/8682 alleles, 147 homozygotes) in the African subpopulation of the gnomAD v2.1.1 cohort (BA1; BP2). Therefore, this variant meets criteria to be classified as benign. ACMG/AMP criteria applied, as specified by the CDH1 Variant Curation Expert Panel Variant Interpretation Guidelines Version 3.1): BA1, BP2.

Labcorp Genetics (formerly Invitae), Labcorp
Classification: Benign for Hereditary diffuse gastric adenocarcinoma. Last evaluated: 2026-02-02. Review status: criteria provided, single submitter. Criteria: Invitae Variant Classification Sherloc (09022015). Collection method: clinical testing. Allele origin: germline. Not counted in ClinVar's aggregate classification.

GeneKor MSA
Classification: Benign for Hereditary cancer-predisposing syndrome. Last evaluated: 2025-07-10. Review status: criteria provided, single submitter. Criteria: ACMG Guidelines, 2015. Collection method: clinical testing. Allele origin: germline. Not counted in ClinVar's aggregate classification.

ARUP Laboratories, Molecular Genetics and Genomics, ARUP Laboratories
Classification: Benign. Last evaluated: 2023-11-29. Review status: criteria provided, single submitter. Criteria: ARUP Molecular Germline Variant Investigation Process 2024. Collection method: clinical testing. Allele origin: germline. Not counted in ClinVar's aggregate classification.

Illumina Laboratory Services, Illumina
Classification: Benign for Hereditary diffuse gastric adenocarcinoma. Last evaluated: 2018-03-06. Review status: criteria provided, single submitter. Criteria: ICSL Variant Classification Criteria 13 December 2019. Collection method: clinical testing. Allele origin: germline. Not counted in ClinVar's aggregate classification.
Comment: This variant was observed in the ICSL laboratory as part of a predisposition screen in an ostensibly healthy population. It had not been previously curated by ICSL or reported in the Human Gene Mutation Database (HGMD: prior to June 1st, 2018), and was therefore a candidate for classification through an automated scoring system. Utilizing variant allele frequency, disease prevalence and penetrance estimates, and inheritance mode, an automated score was calculated to assess if this variant is too frequent to cause the disease. Based on the score and internal cut-off values, a variant classified as benign is not then subjected to further curation. The score for this variant resulted in a classification of benign for this disease.

GeneDx
Classification: Benign. Last evaluated: 2015-03-03. Review status: criteria provided, single submitter. Criteria: GeneDx Variant Classification Process June 2021. Collection method: clinical testing. Allele origin: germline. Affected: yes. Not counted in ClinVar's aggregate classification.
Comment: This variant is associated with the following publications: (PMID: 21459793, 19563064, 21432908)

Breakthrough Genomics
Classification: Benign. Review status: criteria provided, single submitter. Criteria: ACMG Guidelines, 2015. Collection method: not provided. Allele origin: germline. Inheritance: Autosomal dominant inheritance. Affected: yes. Not counted in ClinVar's aggregate classification.

Counsyl
Classification: Likely benign for Hereditary diffuse gastric adenocarcinoma. Last evaluated: 2018-02-06. Review status: no assertion criteria provided. Collection method: clinical testing. Allele origin: unknown. Not counted in ClinVar's aggregate classification.

Clinical Genetics Laboratory, Department of Pathology, Netherlands Cancer Institute
Classification: Benign. Review status: no assertion criteria provided. Collection method: clinical testing. Allele origin: germline. Affected: yes. Study: VKGL Data-share Consensus. Not counted in ClinVar's aggregate classification.

Joint Genome Diagnostic Labs from Nijmegen and Maastricht, Radboudumc and MUMC+
Classification: Benign. Review status: no assertion criteria provided. Collection method: clinical testing. Allele origin: germline. Affected: yes. Study: VKGL Data-share Consensus. Not counted in ClinVar's aggregate classification.

Literature cited by the submitters: PubMed 21459793 (cited by Counsyl); PubMed 18035404 (cited by Counsyl); PubMed 21432908 (cited by Counsyl).